The following is an entry in ClinVar:

NM_145207.3(AFG2A):c.1646T>C (p.Leu549Pro)

Gene: AFG2A (AAA ATPase AFG2A; plus strand). Cytogenetic location: 4q28.1.
Variant type: single nucleotide variant.
Coding change: c.1646T>C on transcript NM_145207.3 (MANE Select); coding-DNA position 1646, T replaced by C.
Protein change: p.Leu549Pro; replaces leucine 549 with proline.
Molecular consequence: missense variant.
Genome position (GRCh38, 1-based): chr4:122,947,420, T>C. VCF-style: chr4-122947420-T-C. GRCh37 (hg19) VCF-style: chr4-123868575-T-C.
Other names: c.1643T>C, p.Leu548Pro (NM_001317799.2, NM_001345856.2); short protein forms L549P, L548P.
Identifiers: ClinVar variation 1516516 (VCV001516516.7), dbSNP rs2125773891, ClinGen allele CA358108417.

ClinVar aggregate classification (germline): Uncertain significance (1 of 4 stars; one submission).

Conditions:
Microcephaly-intellectual disability-sensorineural hearing loss-epilepsy-abnormal muscle tone syndrome (NEDHSB). Also called: NEURODEVELOPMENTAL DISORDER WITH HEARING LOSS, SEIZURES, AND BRAIN ABNORMALITIES. Identifiers: Orphanet 457351, MedGen C4225276, MONDO:0014698, OMIM 616577.

Submission:

Labcorp Genetics (formerly Invitae), Labcorp
Classification: Uncertain significance for Microcephaly-intellectual disability-sensorineural hearing loss-epilepsy-abnormal muscle tone syndrome. Last evaluated: 2022-01-14. Review status: criteria provided, single submitter. Criteria: Invitae Variant Classification Sherloc (09022015). Collection method: clinical testing. Allele origin: germline.
Comment: In summary, the available evidence is currently insufficient to determine the role of this variant in disease. Therefore, it has been classified as a Variant of Uncertain Significance. Advanced modeling of protein sequence and biophysical properties (such as structural, functional, and spatial information, amino acid conservation, physicochemical variation, residue mobility, and thermodynamic stability) performed at Invitae indicates that this missense variant is expected to disrupt SPATA5 protein function. This variant has not been reported in the literature in individuals affected with SPATA5-related conditions. This variant is not present in population databases (gnomAD no frequency). This sequence change replaces leucine, which is neutral and non-polar, with proline, which is neutral and non-polar, at codon 549 of the SPATA5 protein (p.Leu549Pro).